The following is an entry in ClinVar:

ClinVar aggregate classification (germline): Uncertain significance (1 of 4 stars; one submission).

Submission:

Labcorp Genetics (formerly Invitae), Labcorp
Classification: Uncertain significance. Last evaluated: 2022-07-30. Review status: criteria provided, single submitter. Criteria: Invitae Variant Classification Sherloc (09022015). Collection method: clinical testing. Allele origin: germline.
Comment: This variant has not been reported in the literature in individuals affected with USH2A-related conditions. Algorithms developed to predict the effect of missense changes on protein structure and function output the following: SIFT: "Deleterious"; PolyPhen-2: "Benign"; Align-GVGD: "Class C0". The isoleucine amino acid residue is found in multiple mammalian species, which suggests that this missense change does not adversely affect protein function. In summary, the available evidence is currently insufficient to determine the role of this variant in disease. Therefore, it has been classified as a Variant of Uncertain Significance. This variant is not present in population databases (gnomAD no frequency). This sequence change replaces threonine, which is neutral and polar, with isoleucine, which is neutral and non-polar, at codon 3508 of the USH2A protein (p.Thr3508Ile).

NM_206933.4(USH2A):c.10523C>T (p.Thr3508Ile)

Gene: USH2A (usherin; minus strand). Cytogenetic location: 1q41.
Variant type: single nucleotide variant.
Coding change: c.10523C>T on transcript NM_206933.4 (MANE Select); coding-DNA position 10523, C replaced by T.
Protein change: p.Thr3508Ile; replaces threonine 3508 with isoleucine.
Molecular consequence: missense variant.
Genome position (GRCh38, 1-based): chr1:215,782,800, G>A on the plus strand (C>T on the coding strand, the complement: USH2A is on the minus strand). VCF-style: chr1-215782800-G-A. GRCh37 (hg19) VCF-style: chr1-215956142-G-A.
Other names: short protein forms T3508I.
Identifiers: ClinVar variation 2074053 (VCV002074053.4), dbSNP rs1330077641, ClinGen allele CA344837605.